The following is an entry in ClinVar:

ClinVar aggregate classification (germline): Pathogenic (1 of 4 stars; one submission).

Conditions:
Hereditary cancer-predisposing syndrome. Also called: Hereditary Cancer Syndrome; Neoplastic Syndromes, Hereditary; Hereditary neoplastic syndrome; Tumor predisposition. Identifiers: Orphanet 140162, MedGen C0027672, MeSH D009386, MONDO:0015356.

Submission:

Ambry Genetics
Classification: Pathogenic for Hereditary cancer-predisposing syndrome. Last evaluated: 2015-12-20. Review status: criteria provided, single submitter. Criteria: Ambry Variant Classification Scheme 2023. Collection method: clinical testing. Allele origin: germline.
Comment: The c.595_604del10insGG pathogenic mutation, located in coding exon 6 of the SDHB gene, results from the deletion of 10 nucleotides and insertion of two nucleotides causing a translational frameshift with a predicted alternate stop codon. Since frameshifts are typically deleterious in nature, this alteration is interpreted as a disease-causing mutation (ACMG Recommendations for Standards for Interpretation and Reporting of Sequence Variations. Revision 2007. Genet Med. 2008;10:294).

NM_003000.3(SDHB):c.595_604delinsGG (p.Tyr199fs)

Gene: SDHB (succinate dehydrogenase complex iron sulfur subunit B; minus strand). Cytogenetic location: 1p36.13.
Variant type: Indel.
Coding change: c.595_604delinsGG on transcript NM_003000.3 (MANE Select); coding-DNA positions 595 to 604, TACTGGTGGA replaced by GG.
Protein change: p.Tyr199fs; shifts the reading frame from tyrosine 199.
Molecular consequence: frameshift variant.
Genome position (GRCh38, 1-based): chr1:17,024,011-17,024,020, TCCACCAGTA replaced by CC on the plus strand (TACTGGTGGA replaced by GG on the coding strand, the reverse complement: SDHB is on the minus strand). VCF-style: chr1-17024011-TCCACCAGTA-CC. GRCh37 (hg19) VCF-style: chr1-17350506-TCCACCAGTA-CC.
Other names: short protein forms Y199fs.
Identifiers: ClinVar variation 428930 (VCV000428930.5), dbSNP rs1131691059, ClinGen allele CA645369144.